The following is an entry in ClinVar:

NM_001035.3(RYR2):c.8286A>G (p.Leu2762=)

Gene: RYR2 (ryanodine receptor 2; plus strand). Cytogenetic location: 1q43.
Variant type: single nucleotide variant.
Coding change: c.8286A>G on transcript NM_001035.3 (MANE Select); coding-DNA position 8286, A replaced by G.
Protein change: p.Leu2762=; no amino-acid change (leucine 2762 retained).
Molecular consequence: synonymous variant.
Genome position (GRCh38, 1-based): chr1:237,660,062, A>G. VCF-style: chr1-237660062-A-G. GRCh37 (hg19) VCF-style: chr1-237823362-A-G.
Other names: c.8286A>G (NM_001035.2).
Identifiers: ClinVar variation 921560 (VCV000921560.14), dbSNP rs747555778, ClinGen allele CA087596.
Genomic context (GRCh38, chr1:237,660,062, plus strand): 5'-TTATGGAGAAATATATTCAGACTCTTCTAAGGTTCAGCCATTAATGAAGCCATATAAGCT[A>G]TTGTCTGAAAAGGTAAGGATTTTTTGTTTGTTTTAGTTTGTAAAGTTTTTATTCTTTTGA-3'
Protein context (NP_001026.2, residues 2752-2772): KVQPLMKPYK[Leu2762=]LSEKEKEIYR

ClinVar aggregate classification (germline): Likely benign. Review status: criteria provided, multiple submitters, no conflicts (2 of 4 stars). 4 submissions from 4 submitters: Likely benign (4). Last evaluated 2022-12-27.

Conditions:
Catecholaminergic polymorphic ventricular tachycardia (CVPT). Also called: Catecholamine-induced polymorphic ventricular tachycardia. Identifiers: Orphanet 3286, MedGen C5574922, MONDO:0017990.
Cardiovascular phenotype. Identifiers: MedGen CN230736.
Cardiomyopathy (CMYO). Also called: Cardiomyopathies. Identifiers: Orphanet 167848, MedGen C0878544, MONDO:0004994, HP:0001638. Inheritance: Various modes of inheritance.
Catecholaminergic polymorphic ventricular tachycardia 1. Also called: VENTRICULAR TACHYCARDIA, CATECHOLAMINERGIC POLYMORPHIC, 1, WITH OR WITHOUT ATRIAL DYSFUNCTION AND/OR DILATED CARDIOMYOPATHY; RYR2-Related Catecholaminergic Polymorphic Ventricular Tachycardia; VENTRICULAR TACHYCARDIA, STRESS-INDUCED POLYMORPHIC 1. Identifiers: Orphanet 3286, MedGen C1631597, MONDO:0011484, OMIM 604772.

Allele frequency attached by ClinVar (database versions not stated): gnomAD exomes below 0.00001; ExAC 0.00001.
gnomAD v4.1: 5 of 1,545,424 alleles (0.00032%); highest among the groups gnomAD compares: East Asian, 0.0072%; no homozygotes.

Submissions (4):

All of Us Research Program, National Institutes of Health
Classification: Likely benign for Catecholaminergic polymorphic ventricular tachycardia. Last evaluated: 2022-12-27. Review status: criteria provided, single submitter. Criteria: ACMG Guidelines, 2015. Collection method: clinical testing. Allele origin: germline. Inheritance: Autosomal dominant inheritance. Observed: 1 variant allele, 1 heterozygote.
Comment: This study involves interpretation of variants in research participants for the purpose of population health screening. Participant phenotype was not available at the time of variant classification. Additional details can be found in publication PMID: 35346344, PMCID: PMC8962531

Ambry Genetics
Classification: Likely benign for Cardiovascular phenotype. Last evaluated: 2022-11-27. Review status: criteria provided, single submitter. Criteria: Ambry Variant Classification Scheme 2023. Collection method: clinical testing. Allele origin: germline.

Labcorp Genetics (formerly Invitae), Labcorp
Classification: Likely benign for Catecholaminergic polymorphic ventricular tachycardia 1. Last evaluated: 2022-01-22. Review status: criteria provided, single submitter. Criteria: Invitae Variant Classification Sherloc (09022015). Collection method: clinical testing. Allele origin: germline.

Color Diagnostics, LLC DBA Color Health
Classification: Likely benign for Cardiomyopathy. Last evaluated: 2020-04-28. Review status: criteria provided, single submitter. Criteria: ACMG Guidelines, 2015. Collection method: clinical testing. Allele origin: germline.